The following is an entry in ClinVar:

ClinVar aggregate classification (germline): Uncertain significance (1 of 4 stars; one submission).

Submission:

Ambry Genetics
Classification: Uncertain significance. Last evaluated: 2026-04-02. Review status: criteria provided, single submitter. Criteria: Ambry Variant Classification Scheme 2023. Collection method: clinical testing. Allele origin: germline.
Comment: The p.P1931R variant (also known as c.5792C>G), located in coding exon 23 of the WNK2 gene, results from a C to G substitution at nucleotide position 5792. The proline at codon 1931 is replaced by arginine, an amino acid with dissimilar properties. This amino acid position is conserved. In addition, this alteration is predicted to be deleterious by in silico analysis. Based on the available evidence, the clinical significance of this variant remains unclear.

NM_006648.4(WNK2):c.5792C>G (p.Pro1931Arg)

Gene: WNK2 (WNK lysine deficient protein kinase 2; plus strand). Cytogenetic location: 9q22.31.
Variant type: single nucleotide variant.
Coding change: c.5792C>G on transcript NM_006648.4 (MANE Select); coding-DNA position 5792, C replaced by G.
Protein change: p.Pro1931Arg; replaces proline 1931 with arginine.
Molecular consequence: missense variant.
Genome position (GRCh38, 1-based): chr9:93,297,936, C>G. VCF-style: chr9-93297936-C-G. GRCh37 (hg19) VCF-style: chr9-96060218-C-G.
Other names: c.5903C>G, p.Pro1968Arg (NM_001282394.3); short protein forms P1931R, P1968R.
Identifiers: ClinVar variation 4866561 (VCV004866561.1).